The following is an entry in ClinVar:

NM_000143.4(FH):c.1188C>T (p.Val396=)

Gene: FH (fumarate hydratase; minus strand). Cytogenetic location: 1q43.
Variant type: single nucleotide variant.
Coding change: c.1188C>T on transcript NM_000143.4 (MANE Select); coding-DNA position 1188, C replaced by T.
Protein change: p.Val396=; no amino-acid change (valine 396 retained).
Molecular consequence: synonymous variant.
Genome position (GRCh38, 1-based): chr1:241,502,491, G>A on the plus strand (C>T on the coding strand, the complement: FH is on the minus strand). VCF-style: chr1-241502491-G-A. GRCh37 (hg19) VCF-style: chr1-241665791-G-A.
Identifiers: ClinVar variation 1099307 (VCV001099307.13), dbSNP rs1202174276, ClinGen allele CA424075672.

ClinVar aggregate classification (germline): Benign/Likely benign. Review status: criteria provided, multiple submitters, no conflicts (2 of 4 stars). 4 submissions from 4 submitters: Benign (1); Likely benign (3). Last evaluated 2026-07-20.

Conditions:
Hereditary cancer-predisposing syndrome. Also called: Tumor predisposition; Hereditary Cancer Syndrome; Neoplastic Syndromes, Hereditary; Hereditary neoplastic syndrome. Identifiers: Orphanet 140162, MedGen C0027672, MeSH D009386, MONDO:0015356.
Hereditary leiomyomatosis and renal cell cancer. Also called: FH tumor predisposition syndrome; MULTIPLE CUTANEOUS AND UTERINE LEIOMYOMATA 1, WITH OR WITHOUT RENAL CELL CARCINOMA; Reed syndrome; Multiple cutaneous and uterine leiomyomatosis; Cutaneous leiomyomata with uterine leiomyomata; Leiomyoma, hereditary multiple, of skin. Identifiers: Orphanet 523, MedGen C1708350, MONDO:0007888, OMIM 150800, HP:0007437. Disease mechanism: loss of function.
FH-related disorder. Also called: FH-related disorders; FH-related condition.

Allele frequency attached by ClinVar (database versions not stated): gnomAD 0.00001; gnomAD exomes 0.00002; TOPMed 0.00002.
gnomAD v4.1: 18 of 1,613,940 alleles (0.0011%); highest among the groups gnomAD compares: Middle Eastern, 0.016%; no homozygotes.

Submissions (4):

PreventionGenetics, part of Exact Sciences
Classification: Likely benign for FH-related condition. Last evaluated: 2026-07-20. Review status: criteria provided, single submitter. Criteria: ACMG Guidelines, 2015. Collection method: clinical testing. Allele origin: germline.
Comment: This variant is classified as likely benign based on ACMG/AMP sequence variant interpretation guidelines (Richards et al. 2015 PMID: 25741868, with internal and published modifications).

Labcorp Genetics (formerly Invitae), Labcorp
Classification: Likely benign. Last evaluated: 2025-12-13. Review status: criteria provided, single submitter. Criteria: Invitae Variant Classification Sherloc (09022015). Collection method: clinical testing. Allele origin: germline.

Myriad Genetics, Inc.
Classification: Benign for Hereditary leiomyomatosis and renal cell cancer. Last evaluated: 2024-10-21. Review status: criteria provided, single submitter. Criteria: Myriad Autosomal Dominant, Autosomal Recessive and X-Linked Classification Criteria (2023). Collection method: clinical testing. Allele origin: unknown.
Comment: This variant is considered benign. This variant is a silent/synonymous amino acid change and it is not expected to impact splicing.

Ambry Genetics
Classification: Likely benign for Hereditary cancer-predisposing syndrome. Last evaluated: 2022-03-12. Review status: criteria provided, single submitter. Criteria: Ambry Variant Classification Scheme 2023. Collection method: clinical testing. Allele origin: germline.